The following is an entry in ClinVar:

ClinVar aggregate classification (germline): Uncertain significance (1 of 4 stars; one submission).

Conditions:
Oculofaciocardiodental syndrome (MCOPS2). Identifiers: Orphanet 2712, MedGen C1846265, MONDO:0010261, OMIM 300166.

Allele frequency attached by ClinVar (database versions not stated): ExAC 0.00001; TOPMed 0.00001; gnomAD 0.00003 and 0.00004.
gnomAD v4.1: 25 of 1,210,451 alleles (0.0021%); highest among the groups gnomAD compares: Middle Eastern, 0.14%; no homozygotes.

Submission:

Labcorp Genetics (formerly Invitae), Labcorp
Classification: Uncertain significance for Oculofaciocardiodental syndrome. Last evaluated: 2025-12-10. Review status: criteria provided, single submitter. Criteria: Invitae Variant Classification Sherloc (09022015). Collection method: clinical testing. Allele origin: germline.
Comment: This sequence change replaces arginine, which is basic and polar, with histidine, which is basic and polar, at codon 1089 of the BCOR protein (p.Arg1089His). This variant is present in population databases (rs772117755, gnomAD 0.006%). This variant has not been reported in the literature in individuals affected with BCOR-related conditions. ClinVar contains an entry for this variant (Variation ID: 1416221). An algorithm developed to predict the effect of missense changes on protein structure and function outputs the following: PolyPhen-2: "Benign". The histidine amino acid residue is found in multiple mammalian species, which suggests that this missense change does not adversely affect protein function. In summary, the available evidence is currently insufficient to determine the role of this variant in disease. Therefore, it has been classified as a Variant of Uncertain Significance.

NM_001123385.2(BCOR):c.3266G>A (p.Arg1089His)

Gene: BCOR (BCL6 corepressor; minus strand). Cytogenetic location: Xp11.4.
Variant type: single nucleotide variant.
Coding change: c.3266G>A on transcript NM_001123385.2 (MANE Select); coding-DNA position 3266, G replaced by A.
Protein change: p.Arg1089His; replaces arginine 1089 with histidine.
Molecular consequence: missense variant.
Genome position (GRCh38, 1-based): chrX:40,064,572, C>T on the plus strand (G>A on the coding strand, the complement: BCOR is on the minus strand). VCF-style: chrX-40064572-C-T. GRCh37 (hg19) VCF-style: chrX-39923825-C-T.
Other names: c.3266G>A, p.Arg1089His (NM_001123383.2, NM_017745.6); c.3212G>A, p.Arg1071His (NM_001123384.2); short protein forms R1071H, R1089H.
Identifiers: ClinVar variation 1416221 (VCV001416221.6), dbSNP rs772117755, ClinGen allele CA10386663.